The following is an entry in ClinVar:

NM_001077350.3(NPRL3):c.980C>T (p.Pro327Leu)

Genes: HBA-LCR (alpha-globin locus control region; plus strand), NPRL3 (NPR3 like, GATOR1 complex subunit; minus strand). Cytogenetic location: 16p13.3.
Variant type: single nucleotide variant.
Coding change: c.980C>T on transcript NM_001077350.3 (MANE Select); coding-DNA position 980, C replaced by T.
Protein change: p.Pro327Leu; replaces proline 327 with leucine.
Molecular consequence: missense variant.
Genome position (GRCh38, 1-based): chr16:93,270, G>A on the plus strand (C>T on the coding strand, the complement: NPRL3 is on the minus strand). VCF-style: chr16-93270-G-A. GRCh37 (hg19) VCF-style: chr16-143268-G-A.
Other names: c.443C>T, p.Pro148Leu (NM_001039476.3); c.746C>T, p.Pro249Leu (NM_001243247.2); c.905C>T, p.Pro302Leu (NM_001243248.2, NM_001243249.2); short protein forms P302L, P148L, P249L, P327L.
Identifiers: ClinVar variation 847490 (VCV000847490.15), dbSNP rs1898841618, ClinGen allele CA394053571.

ClinVar aggregate classification (germline): Conflicting classifications of pathogenicity. Review status: criteria provided, conflicting classifications (1 of 4 stars). 6 submissions from 6 submitters: Pathogenic (1); Uncertain significance (4). 1 of the submissions does not count toward it. Last evaluated 2026-08-29.

Conditions:
Epilepsy, familial focal, with variable foci 3 (FFEVF3). Identifiers: MedGen C4310708, MONDO:0014925, OMIM 617118.
Seizure. Also called: Seizures. Identifiers: MedGen C0036572, HP:0001250.
NPRL3-related disorder. Also called: NPRL3-related condition.

Allele frequency attached by ClinVar (database versions not stated): gnomAD exomes below 0.00001.
gnomAD v4.1: 1 of 1,561,286 alleles (0.000064%); highest among the groups gnomAD compares: Non-Finnish European, 0.000087%; no homozygotes.

Submissions (6):

GeneDx
Classification: Uncertain significance. Last evaluated: 2026-08-29. Review status: criteria provided, single submitter. Criteria: GeneDx Variant Classification Process June 2021. Collection method: clinical testing. Allele origin: germline.
Comment: Identified in patients with clinical features consistent with an NPRL3-related disorder referred for genetic testing at GeneDx and in published literature, but the variant was inherited from an unaffected parent or familial segregation information was not included (PMID: 32086284, 37946310, 40188669); Not observed at significant frequency in large population cohorts (gnomAD); In silico analysis supports that this missense variant has a deleterious effect on protein structure/function; This variant is associated with the following publications: (PMID: 32086284, 40188669, 37946310)

Labcorp Genetics (formerly Invitae), Labcorp
Classification: Pathogenic for Epilepsy, familial focal, with variable foci 3. Last evaluated: 2026-01-12. Review status: criteria provided, single submitter. Criteria: Invitae Variant Classification Sherloc (09022015). Collection method: clinical testing. Allele origin: germline.
Comment: This sequence change replaces proline, which is neutral and non-polar, with leucine, which is neutral and non-polar, at codon 327 of the NPRL3 protein (p.Pro327Leu). This variant is not present in population databases (gnomAD no frequency). This missense change has been observed in individual(s) with clinical features of NPRL3-related conditions (PMID: 32086284; internal data). In at least one individual the variant was observed to be de novo. This variant is also known as c.905C>T (p.Pro302Leu). ClinVar contains an entry for this variant (Variation ID: 847490). Invitae Evidence Modeling of protein sequence and biophysical properties (such as structural, functional, and spatial information, amino acid conservation, physicochemical variation, residue mobility, and thermodynamic stability) indicates that this missense variant is expected to disrupt NPRL3 protein function with a positive predictive value of 80%. For these reasons, this variant has been classified as Pathogenic.

Victorian Clinical Genetics Services, Murdoch Childrens Research Institute
Classification: Uncertain significance for Epilepsy, familial focal, with variable foci 3. Last evaluated: 2025-05-06. Review status: criteria provided, single submitter. Criteria: ACMG Guidelines, 2015. Collection method: clinical testing. Allele origin: germline. Affected: yes.
Comment: This variant is classified as VUS-3A. Evidence in support of pathogenic classification: Variant is present in gnomAD <0.001 for a dominant condition (v4: 1 heterozygote(s), 0 homozygote(s)); This variant has limited previous evidence of pathogenicity in unrelated individuals. This variant has been classified as pathogenic and as a VUS by clinical laboratories in ClinVar with at least one de novo occurrence. This variant may also be reported in the literature; however, due to discrepancies in the variant nomenclature, this information did not contribute to this classification (PMIDs: 32086284, 37946310); Missense variant predicted to be damaging by in silico tool(s) or highly conserved with a major amino acid change. Additional information: Variant is predicted to result in a missense amino acid change from proline to leucine; This variant is heterozygous; This gene is associated with autosomal dominant disease; Alternative amino acid change(s) at the same position are present in gnomAD (Highest allele count: v4: 1 heterozygote(s), 0 homozygote(s)); No published segregation evidence has been identified for this variant; Another missense variant comparable to the one identified in this case has inconclusive previous evidence for pathogenicity. The p.(Pro327Ser) variant has been classified as a VUS by a clinical laboratory in ClinVar; Variant is located in the annotated nitrogen permease regulator of amino acid transport activity 3 domain (DECIPHER); Loss of function is a known mechanism of disease in this gene and is associated with familial focal epilepsy with variable foci 3 (MIM#617118); The condition associated with this gene has incomplete penetrance (OMIM, PMID: 26505888).

PreventionGenetics, part of Exact Sciences
Classification: Uncertain significance for NPRL3-related condition. Last evaluated: 2025-04-05. Review status: criteria provided, single submitter. Criteria: ACMG Guidelines, 2015. Collection method: clinical testing. Allele origin: germline.
Comment: The NPRL3 c.980C>T variant is predicted to result in the amino acid substitution p.Pro327Leu. This variant was reported in an individual with focal epilepsy (listed as c.905C>T, Pro302Leu in Table S2, Krenn et al. 2020. PubMed ID: 32086284). This variant has not been reported in a large population database (gnomAD), indicating this variant is rare. At this time, the clinical significance of this variant is uncertain due to the absence of conclusive functional and genetic evidence.

Institute of Human Genetics, University of Leipzig Medical Center
Classification: Uncertain significance for Epilepsy, familial focal, with variable foci 3. Last evaluated: 2023-03-30. Review status: criteria provided, single submitter. Criteria: ACMG Guidelines, 2015. Collection method: clinical testing. Allele origin: unknown. Affected: yes.
Comment: _x000D_ Criteria applied: PS4_MOD, PM1_SUP, PM2_SUP, PP3

Diagnostic Laboratory, Strasbourg University Hospital
Classification: Pathogenic for Seizure. Review status: no assertion criteria provided. Collection method: clinical testing. Allele origin: maternal. Affected: yes. Observed: 1 heterozygote. Not counted in ClinVar's aggregate classification.

Literature cited by the submitters: PubMed 32086284 (cited by Labcorp Genetics (formerly Invitae), Labcorp and Victorian Clinical Genetics Services, Murdoch Childrens Research Institute); PubMed 37946310 (cited by Victorian Clinical Genetics Services, Murdoch Childrens Research Institute); PubMed 26505888 (cited by Victorian Clinical Genetics Services, Murdoch Childrens Research Institute).